The following is an entry in ClinVar:

NM_001008537.3(NEXMIF):c.964C>T (p.Arg322Ter)

Gene: NEXMIF (neurite extension and migration factor; minus strand). Cytogenetic location: Xq13.3.
Variant type: single nucleotide variant.
Coding change: c.964C>T on transcript NM_001008537.3 (MANE Select); coding-DNA position 964, C replaced by T.
Protein change: p.Arg322Ter; replaces arginine 322 with a stop codon.
Molecular consequence: nonsense.
Genome position (GRCh38, 1-based): chrX:74,743,593, G>A on the plus strand (C>T on the coding strand, the complement: NEXMIF is on the minus strand). VCF-style: chrX-74743593-G-A. GRCh37 (hg19) VCF-style: chrX-73963428-G-A.
Other names: short protein forms R322*.
Identifiers: ClinVar variation 438478 (VCV000438478.13), dbSNP rs1556016731, ClinGen allele CA413671966.

ClinVar aggregate classification (germline): Pathogenic. Review status: criteria provided, multiple submitters, no conflicts (2 of 4 stars). 5 submissions from 5 submitters: Pathogenic (4). 1 of the submissions does not count toward it. Last evaluated 2023-06-03.

Conditions:
KIAA2022-related disorders.
X-linked intellectual disability, Cantagrel type (XLID98). Also called: INTELLECTUAL DEVELOPMENTAL DISORDER, X-LINKED 98. Identifiers: Orphanet 85277, MedGen C3806730, MONDO:0010483, OMIM 300912.

Submissions (5):

Labcorp Genetics (formerly Invitae), Labcorp
Classification: Pathogenic. Last evaluated: 2023-06-03. Review status: criteria provided, single submitter. Criteria: Invitae Variant Classification Sherloc (09022015). Collection method: clinical testing. Allele origin: germline.
Comment: This sequence change creates a premature translational stop signal (p.Arg322*) in the NEXMIF gene. It is expected to result in an absent or disrupted protein product. Loss-of-function variants in NEXMIF are known to be pathogenic (PMID: 23615299). For these reasons, this variant has been classified as Pathogenic. ClinVar contains an entry for this variant (Variation ID: 438478). This premature translational stop signal has been observed in individual(s) with clinical features of NEXMIF-related conditions (PMID: 25900396, 26576034). In at least one individual the variant was observed to be de novo. This variant is not present in population databases (gnomAD no frequency).

Blueprint Genetics
Classification: Pathogenic for KIAA2022-related disorders. Last evaluated: 2022-09-22. Review status: criteria provided, single submitter. Criteria: ACMG Guidelines, 2015. Collection method: clinical testing. Allele origin: germline. Affected: yes. Observed: 1 variant allele.

GeneDx
Classification: Pathogenic. Last evaluated: 2021-10-27. Review status: criteria provided, single submitter. Criteria: GeneDx Variant Classification Process June 2021. Collection method: clinical testing. Allele origin: germline. Affected: yes.
Comment: Nonsense variant predicted to result in protein truncation or nonsense mediated decay in a gene for which loss-of-function is a known mechanism of disease; Not observed at significant frequency in large population cohorts (Lek et al., 2016); This variant is associated with the following publications: (PMID: 25900396, 27812264, 26576034, 27358180)

Clinical Genetics Service, Universitary Hospital 12 de Octubre
Classification: Pathogenic for X-linked intellectual disability, Cantagrel type. Review status: criteria provided, single submitter. Criteria: ACMG Guidelines, 2015. Collection method: clinical testing. Allele origin: germline. Affected: yes.

OMIM
Classification: Pathogenic for INTELLECTUAL DEVELOPMENTAL DISORDER, X-LINKED 98. Last evaluated: 2021-08-20. Review status: no assertion criteria provided. Collection method: literature only. Allele origin: germline. Not counted in ClinVar's aggregate classification.

Literature cited by the submitters: PubMed 23615299 (cited by Labcorp Genetics (formerly Invitae), Labcorp); PubMed 25900396 (cited by Labcorp Genetics (formerly Invitae), Labcorp and OMIM); PubMed 26576034 (cited by Labcorp Genetics (formerly Invitae), Labcorp and OMIM); PubMed 27358180 (cited by OMIM).